The following is an entry in ClinVar:

NM_001854.4(COL11A1):c.2201A>G (p.His734Arg)

Gene: COL11A1 (collagen type XI alpha 1 chain; minus strand). Cytogenetic location: 1p21.1.
Variant type: single nucleotide variant.
Coding change: c.2201A>G on transcript NM_001854.4 (MANE Select); coding-DNA position 2201, A replaced by G.
Protein change: p.His734Arg; replaces histidine 734 with arginine.
Molecular consequence: missense variant. On other transcripts: non-coding transcript variant (1).
Genome position (GRCh38, 1-based): chr1:102,997,120, T>C on the plus strand (A>G on the coding strand, the complement: COL11A1 is on the minus strand). VCF-style: chr1-102997120-T-C. GRCh37 (hg19) VCF-style: chr1-103462676-T-C.
Other names: c.1853A>G, p.His618Arg (NM_001168249.1, NM_080630.4); c.2084A>G, p.His695Arg (NM_001190709.2); c.2237A>G, p.His746Arg (NM_080629.3); short protein forms H618R, H695R, H734R, H746R.
Identifiers: ClinVar variation 1713627 (VCV001713627.6), dbSNP rs2525301664, ClinGen allele CA341169526.
Genomic context (GRCh38, chr1:102,997,120, plus strand): 5'-ATGGATACTTTGGAACCTACCAGAGCCCCCTTTTCTCCAGACTGGCCTTCTTTCCCAGGA[T>C]GACCCTATATTTAGCAAAAACATACACTGATAAGATGTAATATAAACATAGTTGATAATA-3'
Protein context (NP_001845.3, residues 724-744): GLPGADGPPG[His734Arg]PGKEGQSGEK

ClinVar aggregate classification (germline): Uncertain significance. Review status: criteria provided, multiple submitters, no conflicts (2 of 4 stars). 2 submissions from 2 submitters: Uncertain significance (2). Last evaluated 2022-07-23.

Submissions (2):

Labcorp Genetics (formerly Invitae), Labcorp
Classification: Uncertain significance. Last evaluated: 2022-07-23. Review status: criteria provided, single submitter. Criteria: Invitae Variant Classification Sherloc (09022015). Collection method: clinical testing. Allele origin: germline.
Comment: This sequence change replaces histidine, which is basic and polar, with arginine, which is basic and polar, at codon 734 of the COL11A1 protein (p.His734Arg). This variant is not present in population databases (gnomAD no frequency). This variant has not been reported in the literature in individuals affected with COL11A1-related conditions. Advanced modeling of protein sequence and biophysical properties (such as structural, functional, and spatial information, amino acid conservation, physicochemical variation, residue mobility, and thermodynamic stability) performed at Invitae indicates that this missense variant is not expected to disrupt COL11A1 protein function. In summary, the available evidence is currently insufficient to determine the role of this variant in disease. Therefore, it has been classified as a Variant of Uncertain Significance.

Blueprint Genetics
Classification: Uncertain significance. Last evaluated: 2017-11-12. Review status: criteria provided, single submitter. Criteria: ACMG Guidelines, 2015. Collection method: clinical testing. Allele origin: germline.